The following is an entry in ClinVar:

ClinVar aggregate classification (germline): Benign/Likely benign. Review status: criteria provided, multiple submitters, no conflicts (2 of 4 stars). 5 submissions from 5 submitters: Benign (2); Likely benign (3). Last evaluated 2025-07-28.

Conditions:
Hereditary cancer-predisposing syndrome. Also called: Neoplastic Syndromes, Hereditary; Tumor predisposition; Hereditary Cancer Syndrome; Hereditary neoplastic syndrome. Identifiers: Orphanet 140162, MedGen C0027672, MeSH D009386, MONDO:0015356.
Tuberous sclerosis 2 (TSC2). Identifiers: Orphanet 805, MedGen C1860707, MONDO:0013199, OMIM 613254.

Allele frequency attached by ClinVar (database versions not stated): gnomAD exomes below 0.00001; TOPMed below 0.00001.
gnomAD v4.1: 24 of 1,611,826 alleles (0.0015%); highest among the groups gnomAD compares: Non-Finnish European, 0.002%; no homozygotes.

Submissions (5):

Labcorp Genetics (formerly Invitae), Labcorp
Classification: Likely benign for Tuberous sclerosis 2. Last evaluated: 2025-07-28. Review status: criteria provided, single submitter. Criteria: Invitae Variant Classification Sherloc (09022015). Collection method: clinical testing. Allele origin: germline.

Myriad Genetics, Inc.
Classification: Benign for Tuberous sclerosis 2. Last evaluated: 2025-06-09. Review status: criteria provided, single submitter. Criteria: Myriad Autosomal Dominant, Autosomal Recessive and X-Linked Classification Criteria (2023). Collection method: clinical testing. Allele origin: unknown.
Comment: This variant is considered benign. This variant is a silent/synonymous amino acid change and it is not expected to impact splicing.

Women's Health and Genetics/Laboratory Corporation of America, LabCorp
Classification: Likely benign. Last evaluated: 2025-01-22. Review status: criteria provided, single submitter. Criteria: LabCorp Variant Classification Summary - May 2015. Collection method: clinical testing. Allele origin: germline.

Genome-Nilou Lab
Classification: Benign for Tuberous sclerosis 2. Last evaluated: 2021-11-07. Review status: criteria provided, single submitter. Criteria: ACMG Guidelines, 2015. Collection method: clinical testing. Allele origin: germline. Affected: no.

Ambry Genetics
Classification: Likely benign for Hereditary cancer-predisposing syndrome. Last evaluated: 2018-09-25. Review status: criteria provided, single submitter. Criteria: Ambry Variant Classification Scheme 2023. Collection method: clinical testing. Allele origin: germline.

NM_000548.5(TSC2):c.5361C>A (p.Gly1787=)

Gene: TSC2 (TSC complex subunit 2; plus strand). Cytogenetic location: 16p13.3.
Variant type: single nucleotide variant.
Coding change: c.5361C>A on transcript NM_000548.5 (MANE Select); coding-DNA position 5361, C replaced by A.
Protein change: p.Gly1787=; no amino-acid change (glycine 1787 retained).
Molecular consequence: synonymous variant.
Genome position (GRCh38, 1-based): chr16:2,088,547, C>A. VCF-style: chr16-2088547-C-A. GRCh37 (hg19) VCF-style: chr16-2138548-C-A.
Other names: c.5160C>A, p.Gly1720= (NM_001077183.3); c.5292C>A, p.Gly1764= (NM_001114382.3); c.5052C>A, p.Gly1684= (NM_001318827.2); c.5016C>A, p.Gly1672= (NM_001318829.2); c.4629C>A, p.Gly1543= (NM_001318831.2); c.5193C>A, p.Gly1731= (NM_001318832.2); c.5163C>A, p.Gly1721= (NM_001363528.2); c.5229C>A, p.Gly1743= (NM_001370404.1); and 2 more.
Identifiers: ClinVar variation 536058 (VCV000536058.21), dbSNP rs1334165353, ClinGen allele CA493043737.